The following is an entry in ClinVar:

ClinVar aggregate classification (germline): Pathogenic (1 of 4 stars; one submission).

Conditions:
Mucopolysaccharidosis, MPS-III-A (MPS3A). Also called: Mucopolysaccharidosis, type IIIA; mucopolysaccharidosis type 3A; MPS IIIA (Sanfilippo Syndrome Type A); HEPARAN SULFATE SULFATASE DEFICIENCY; Mucopolysaccharidosis type IIIA (Sanfilippo A); SANFILIPPO SYNDROME A. Identifiers: Orphanet 581, Orphanet 79269, MedGen C0086647, MONDO:0009655, OMIM 252900.

Submission:

Labcorp Genetics (formerly Invitae), Labcorp
Classification: Pathogenic for Mucopolysaccharidosis, MPS-III-A. Last evaluated: 2021-05-01. Review status: criteria provided, single submitter. Criteria: Invitae Variant Classification Sherloc (09022015). Collection method: clinical testing. Allele origin: germline.
Comment: For these reasons, this variant has been classified as Pathogenic. This variant has not been reported in the literature in individuals with SGSH-related conditions. This variant is not present in population databases (ExAC no frequency). This sequence change creates a premature translational stop signal (p.Val95Alafs*170) in the SGSH gene. It is expected to result in an absent or disrupted protein product. Loss-of-function variants in SGSH are known to be pathogenic (PMID: 11182930, 21204211, 22976768).

Literature cited by the submitters: PubMed 11182930; PubMed 21204211; PubMed 22976768.

NM_000199.5(SGSH):c.282_283dup (p.Val95fs)

Gene: SGSH (N-sulfoglucosamine sulfohydrolase; minus strand). Cytogenetic location: 17q25.3.
Variant type: Duplication.
Coding change: c.282_283dup on transcript NM_000199.5 (MANE Select); coding-DNA positions 282 to 283, 2 bases duplicated (CG; older notation c.282_283dupCG).
Protein change: p.Val95fs; shifts the reading frame from valine 95.
Molecular consequence: frameshift variant.
Genome position (GRCh38, 1-based): chr17:80,215,105-80,215,106, CG duplicated on the plus strand (CG on the coding strand, the reverse complement: SGSH is on the minus strand). VCF-style (leftmost placement, unchanged base first): chr17-80215104-A-ACG. GRCh37 (hg19) VCF-style: chr17-78188903-A-ACG.
Other names: c.282_283dup, p.Val95fs (NM_001352921.3, NM_001352922.2); short protein forms V95fs.
Identifiers: ClinVar variation 1381871 (VCV001381871.6), dbSNP rs2144754863, ClinGen allele CA2573155037.